The following is an entry in ClinVar:

ClinVar aggregate classification (germline): Uncertain significance (1 of 4 stars; one submission).

Conditions:
Episodic ataxia type 2 (EA2). Also called: CEREBELLAR ATAXIA, PAROXYSMAL, ACETAZOLAMIDE-RESPONSIVE; CEREBELLOPATHY, HEREDITARY PAROXYSMAL; EPISODIC ATAXIA, NYSTAGMUS-ASSOCIATED; ACETAZOLAMIDE-RESPONSIVE HEREDITARY PAROXYSMAL CEREBELLAR ATAXIA; ATAXIA, EPISODIC, WITH NYSTAGMUS; ATAXIA, FAMILIAL PAROXYSMAL. Identifiers: Orphanet 97, MedGen C1720416, MONDO:0007163, OMIM 108500.
Developmental and epileptic encephalopathy, 42 (DEE42A). Also called: Epileptic encephalopathy, early infantile, 42; DEVELOPMENTAL AND EPILEPTIC ENCEPHALOPATHY 42A; EPILEPTIC ENCEPHALOPATHY, EARLY INFANTILE, 42A. Identifiers: MedGen C4310716, MONDO:0014917, OMIM 617106.

Submission:

Labcorp Genetics (formerly Invitae), Labcorp
Classification: Uncertain significance for Developmental and epileptic encephalopathy, 42; Episodic ataxia type 2. Last evaluated: 2023-07-25. Review status: criteria provided, single submitter. Criteria: Invitae Variant Classification Sherloc (09022015). Collection method: clinical testing. Allele origin: germline.
Comment: In summary, the available evidence is currently insufficient to determine the role of this variant in disease. Therefore, it has been classified as a Variant of Uncertain Significance. Experimental studies and prediction algorithms are not available or were not evaluated, and the functional significance of this variant is currently unknown. This variant has not been reported in the literature in individuals affected with CACNA1A-related conditions. This variant is not present in population databases (gnomAD no frequency). This variant, c.4754_4756del, results in the deletion of 1 amino acid(s) of the CACNA1A protein (p.Met1585del), but otherwise preserves the integrity of the reading frame.

NM_001127222.2(CACNA1A):c.4748TGA[1] (p.Met1584del)

Gene: CACNA1A (calcium voltage-gated channel subunit alpha1 A; minus strand). Cytogenetic location: 19p13.13.
Variant type: Microsatellite.
Coding change: c.4748TGA[1] on transcript NM_001127222.2 (MANE Select); one copy of the 3-base unit TGA starting at c.4748; the reference has two copies in a row; one copy, 3 bases deleted.
Protein change: p.Met1584del; deletes methionine 1584.
Molecular consequence: inframe deletion.
Genome position (GRCh38, 1-based): chr19:13,255,097-13,255,099, TCA deleted on the plus strand (TGA on the coding strand, the reverse complement: CACNA1A is on the minus strand); deleting any 3 consecutive bases within chr19:13,255,097-13,255,103 gives the same sequence; the position shown is the placement nearest the transcript's 3' end. VCF-style (leftmost placement, unchanged base first): chr19-13255096-TTCA-T. GRCh37 (hg19) VCF-style: chr19-13365910-TTCA-T.
Other names: c.4760TGA[1], p.Met1588del (NM_000068.4, NM_023035.3); c.4751TGA[1], p.Met1585del (NM_001127221.2, NM_001174080.2); short protein forms M1584del, M1585del, M1588del.
Identifiers: ClinVar variation 2950268 (VCV002950268.3), dbSNP rs2512728295, ClinGen allele CA2740091930.